The following is an entry in ClinVar:

ClinVar aggregate classification (germline): Uncertain significance (1 of 4 stars; one submission).

Submission:

GeneDx
Classification: Uncertain significance. Last evaluated: 2023-05-08. Review status: criteria provided, single submitter. Criteria: GeneDx Variant Classification Process June 2021. Collection method: clinical testing. Allele origin: germline. Affected: yes.
Comment: Not observed at significant frequency in large population cohorts (gnomAD); In silico analysis supports that this missense variant has a deleterious effect on protein structure/function; Has not been previously published as pathogenic or benign to our knowledge

NM_020791.4(TAOK1):c.1980A>T (p.Gln660His)

Gene: TAOK1 (TAO kinase 1; plus strand). Cytogenetic location: 17q11.2.
Variant type: single nucleotide variant.
Coding change: c.1980A>T on transcript NM_020791.4 (MANE Select); coding-DNA position 1980, A replaced by T.
Protein change: p.Gln660His; replaces glutamine 660 with histidine.
Molecular consequence: missense variant. On other transcripts: intron variant (1).
Genome position (GRCh38, 1-based): chr17:29,522,351, A>T. VCF-style: chr17-29522351-A-T. GRCh37 (hg19) VCF-style: chr17-27849369-A-T.
Other names: c.1705-8056A>T (NM_025142.1); short protein forms Q660H.
Identifiers: ClinVar variation 2663112 (VCV002663112.1), dbSNP rs2508304347, ClinGen allele CA398910776.